The following is an entry in ClinVar:

NM_001453.3(FOXC1):c.1050C>T (p.Leu350=)

Gene: FOXC1 (forkhead box C1; plus strand). Cytogenetic location: 6p25.3.
Variant type: single nucleotide variant.
Coding change: c.1050C>T on transcript NM_001453.3 (MANE Select); coding-DNA position 1050, C replaced by T.
Protein change: p.Leu350=; no amino-acid change (leucine 350 retained).
Molecular consequence: synonymous variant.
Genome position (GRCh38, 1-based): chr6:1,611,495, C>T. VCF-style: chr6-1611495-C-T. GRCh37 (hg19) VCF-style: chr6-1611730-C-T.
Identifiers: ClinVar variation 286641 (VCV000286641.17), dbSNP rs767285866, ClinGen allele CA3614857.

ClinVar aggregate classification (germline): Benign/Likely benign. Review status: criteria provided, multiple submitters, no conflicts (2 of 4 stars). 4 submissions from 4 submitters: Benign (1); Likely benign (2). 1 of the submissions does not count toward it. Last evaluated 2025-12-08.

Conditions:
FOXC1-related disorder. Also called: FOXC1-related condition.
Axenfeld-Rieger syndrome type 3 (RIEG3). Also called: AXENFELD-RIEGER ANOMALY WITH CARDIAC DEFECTS AND/OR SENSORINEURAL HEARING LOSS. Identifiers: Orphanet 782, MedGen C2678503, MONDO:0011233, OMIM 602482.

Allele frequency attached by ClinVar (database versions not stated): 1000 Genomes Project 30x 0.00125; gnomAD 0.00163 and 0.00177; TOPMed 0.00190; ExAC 0.00010; gnomAD exomes 0.00011.
gnomAD v4.1: 372 of 1,374,776 alleles (0.027%); highest among the groups gnomAD compares: African/African-American, 0.52%; 2 homozygotes.

Submissions (4):

Labcorp Genetics (formerly Invitae), Labcorp
Classification: Benign for Axenfeld-Rieger syndrome type 3. Last evaluated: 2025-12-08. Review status: criteria provided, single submitter. Criteria: Invitae Variant Classification Sherloc (09022015). Collection method: clinical testing. Allele origin: germline.

Blueprint Genetics
Classification: Likely benign. Last evaluated: 2024-11-06. Review status: criteria provided, single submitter. Criteria: ACMG Guidelines, 2015. Collection method: clinical testing. Allele origin: germline.

Eurofins Ntd Llc (ga)
Classification: Likely benign. Last evaluated: 2017-11-09. Review status: criteria provided, single submitter. Criteria: EGL Classification Definitions 2015. Collection method: clinical testing. Allele origin: germline. Observed: 3 variant alleles, 3 heterozygotes.

PreventionGenetics, part of Exact Sciences
Classification: Likely benign for FOXC1-related condition. Last evaluated: 2019-04-26. Review status: no assertion criteria provided. Collection method: clinical testing. Allele origin: germline. Not counted in ClinVar's aggregate classification.
Comment: This variant is classified as likely benign based on ACMG/AMP sequence variant interpretation guidelines (Richards et al. 2015 PMID: 25741868, with internal and published modifications).